The following is an entry in ClinVar:

ClinVar aggregate classification (germline): Uncertain significance (1 of 4 stars; one submission).

Conditions:
Glycine encephalopathy. Also called: Nonketotic hyperglycinemia; Non-ketotic hyperglycinemia. Identifiers: Orphanet 407, MedGen C0751748, MONDO:0011612, HP:0008288.

Submission:

Labcorp Genetics (formerly Invitae), Labcorp
Classification: Uncertain significance for Glycine encephalopathy. Last evaluated: 2022-02-09. Review status: criteria provided, single submitter. Criteria: Invitae Variant Classification Sherloc (09022015). Collection method: clinical testing. Allele origin: germline.
Comment: This sequence change replaces alanine, which is neutral and non-polar, with glycine, which is neutral and non-polar, at codon 794 of the GLDC protein (p.Ala794Gly). This variant is not present in population databases (gnomAD no frequency). This variant has not been reported in the literature in individuals affected with GLDC-related conditions. Advanced modeling of protein sequence and biophysical properties (such as structural, functional, and spatial information, amino acid conservation, physicochemical variation, residue mobility, and thermodynamic stability) performed at Invitae indicates that this missense variant is not expected to disrupt GLDC protein function. In summary, the available evidence is currently insufficient to determine the role of this variant in disease. Therefore, it has been classified as a Variant of Uncertain Significance.

NM_000170.3(GLDC):c.2381C>G (p.Ala794Gly)

Gene: GLDC (glycine decarboxylase; minus strand). Cytogenetic location: 9p24.1.
Variant type: single nucleotide variant.
Coding change: c.2381C>G on transcript NM_000170.3 (MANE Select); coding-DNA position 2381, C replaced by G.
Protein change: p.Ala794Gly; replaces alanine 794 with glycine.
Molecular consequence: missense variant.
Genome position (GRCh38, 1-based): chr9:6,553,444, G>C on the plus strand (C>G on the coding strand, the complement: GLDC is on the minus strand). VCF-style: chr9-6553444-G-C. GRCh37 (hg19) VCF-style: chr9-6553444-G-C.
Other names: short protein forms A794G.
Identifiers: ClinVar variation 1375683 (VCV001375683.6), dbSNP rs1817556275, ClinGen allele CA372878586.